The following is an entry in ClinVar:

ClinVar aggregate classification (germline): Likely pathogenic (1 of 4 stars; one submission).

Conditions:
Infantile hypotonia-oculomotor anomalies-hyperkinetic movements-developmental delay syndrome. Also called: BAKER-GORDON SYNDROME; NEURODEVELOPMENTAL DISORDER WITH INVOLUNTARY MOVEMENT AND ABNORMAL ELECTROENCEPHALOGRAM. Identifiers: Orphanet 522077, MedGen C4748715, MONDO:0033864, OMIM 618218.

Submission:

Daryl Scott Lab, Baylor College of Medicine
Classification: Likely pathogenic for Infantile hypotonia-oculomotor anomalies-hyperkinetic movements-developmental delay syndrome. Last evaluated: 2024-04-01. Review status: criteria provided, single submitter. Criteria: ACMG Guidelines, 2015. Collection method: research. Allele origin: de novo. Observed: 1 heterozygote.
Comment: PS2, PM2, PP3

NM_005639.3(SYT1):c.935A>G (p.Tyr312Cys)

Gene: SYT1 (synaptotagmin 1; plus strand). Cytogenetic location: 12q21.2.
Variant type: single nucleotide variant.
Coding change: c.935A>G on transcript NM_005639.3 (MANE Select); coding-DNA position 935, A replaced by G.
Protein change: p.Tyr312Cys; replaces tyrosine 312 with cysteine.
Molecular consequence: missense variant.
Genome position (GRCh38, 1-based): chr12:79,444,079, A>G. VCF-style: chr12-79444079-A-G. GRCh37 (hg19) VCF-style: chr12-79837859-A-G.
Other names: c.935A>G, p.Tyr312Cys (NM_001135806.2, NM_001415938.1, NM_001415939.1 and 2 more transcripts); c.926A>G, p.Tyr309Cys (NM_001291901.2, NM_001415941.1, NM_001415942.1 and 1 more transcripts); short protein forms Y309C, Y312C.
Identifiers: ClinVar variation 3778759 (VCV003778759.1).